The following is an entry in ClinVar:

ClinVar aggregate classification (germline): Conflicting classifications of pathogenicity. Review status: criteria provided, conflicting classifications (1 of 4 stars). 6 submissions from 6 submitters: Uncertain significance (1); Likely benign (4). 1 of the submissions does not count toward it. Last evaluated 2026-01-25.

Conditions:
DARS2-related disorder. Also called: DARS2-related condition.
Leukoencephalopathy with brain stem and spinal cord involvement-high lactate syndrome (LBSL). Also called: LEUKOENCEPHALOPATHY WITH BRAINSTEM AND SPINAL CORD INVOLVEMENT AND LACTATE ELEVATION, MILD; Leukoencephalopathy with Brainstem and Spinal Cord Involvement and Lactate Elevation; MITOCHONDRIAL ASPARTYL-tRNA SYNTHETASE DEFICIENCY. Identifiers: Orphanet 137898, MedGen C1970180, MONDO:0012622, OMIM 611105.

Allele frequency attached by ClinVar (database versions not stated): ESP Exome Variant Server 0.00008; ExAC 0.00018; gnomAD exomes 0.00018; TOPMed 0.00023; gnomAD 0.00028 and 0.00031.
gnomAD v4.1: 337 of 1,613,892 alleles (0.021%); highest among the groups gnomAD compares: Non-Finnish European, 0.027%; no homozygotes.

Submissions (6):

Labcorp Genetics (formerly Invitae), Labcorp
Classification: Likely benign. Last evaluated: 2026-01-25. Review status: criteria provided, single submitter. Criteria: Invitae Variant Classification Sherloc (09022015). Collection method: clinical testing. Allele origin: germline.

CeGaT Center for Human Genetics Tuebingen
Classification: Likely benign. Last evaluated: 2025-12-01. Review status: criteria provided, single submitter. Criteria: CeGaT Center For Human Genetics Tuebingen Variant Classification Criteria Version 2. Collection method: clinical testing. Allele origin: germline. Affected: yes. Observed: 2 variant alleles.
Comment: DARS2: BP4, BP7

Blueprint Genetics
Classification: Likely benign. Last evaluated: 2024-10-17. Review status: criteria provided, single submitter. Criteria: ACMG Guidelines, 2015. Collection method: clinical testing. Allele origin: germline.

GeneDx
Classification: Likely benign. Last evaluated: 2020-09-29. Review status: criteria provided, single submitter. Criteria: GeneDx Variant Classification Process June 2021. Collection method: clinical testing. Allele origin: germline. Affected: yes.

Illumina Laboratory Services, Illumina
Classification: Uncertain significance for Leukoencephalopathy with brain stem and spinal cord involvement-high lactate syndrome. Last evaluated: 2018-01-13. Review status: criteria provided, single submitter. Criteria: ICSL Variant Classification Criteria 13 December 2019. Collection method: clinical testing. Allele origin: germline.

PreventionGenetics, part of Exact Sciences
Classification: Likely benign for DARS2-related condition. Last evaluated: 2020-03-23. Review status: no assertion criteria provided. Collection method: clinical testing. Allele origin: germline. Not counted in ClinVar's aggregate classification.
Comment: This variant is classified as likely benign based on ACMG/AMP sequence variant interpretation guidelines (Richards et al. 2015 PMID: 25741868, with internal and published modifications).

NM_018122.5(DARS2):c.1758C>T (p.Asp586=)

Gene: DARS2 (aspartyl-tRNA synthetase 2, mitochondrial; plus strand). Cytogenetic location: 1q25.1.
Variant type: single nucleotide variant.
Coding change: c.1758C>T on transcript NM_018122.5 (MANE Select); coding-DNA position 1758, C replaced by T.
Protein change: p.Asp586=; no amino-acid change (aspartic acid 586 retained).
Molecular consequence: synonymous variant.
Genome position (GRCh38, 1-based): chr1:173,857,525, C>T. VCF-style: chr1-173857525-C-T. GRCh37 (hg19) VCF-style: chr1-173826663-C-T.
Other names: c.1605C>T, p.Asp535= (NM_001365212.1).
Identifiers: ClinVar variation 293828 (VCV000293828.41), dbSNP rs371048800, ClinGen allele CA1250520.